The following is an entry in ClinVar:

NM_003859.3(DPM1):c.679-8dup

Genes: ADNP-AS1 (ADNP antisense RNA 1; plus strand), DPM1 (dolichyl-phosphate mannosyltransferase subunit 1, catalytic; minus strand). Cytogenetic location: 20q13.13.
Variant type: Duplication.
Coding change: c.679-8dup on transcript NM_003859.3 (MANE Select); 8 bases into the intron before coding-DNA position 679, one base duplicated (T; older notation c.679-8dupT).
Molecular consequence: intron variant.
Genome position (GRCh38, 1-based): chr20:50,935,244, A duplicated on the plus strand (T on the coding strand, the reverse complement: DPM1 is on the minus strand); the first of 12 consecutive A bases (chr20:50,935,244-50,935,255); duplicating any one gives the same sequence. VCF-style (leftmost placement, unchanged base first): chr20-50935243-T-TA. GRCh37 (hg19) VCF-style: chr20-49551780-T-TA.
Other names: p.?; c.610-8dup (NM_001317036.1); c.760-8dup (NM_001317035.1); c.784-8dup (NM_001317034.1); c.679-8dupT (NM_003859.1); c.679-8dup (NM_003859.2).
Identifiers: ClinVar variation 516399 (VCV000516399.15), dbSNP rs11483542, ClinGen allele CA9909006.

ClinVar aggregate classification (germline): Benign/Likely benign. Review status: criteria provided, multiple submitters, no conflicts (2 of 4 stars). 8 submissions from 8 submitters: Benign (4); Likely benign (1). 3 of the submissions do not count toward it. Last evaluated 2026-02-03.

Conditions:
Congenital disorder of glycosylation type 1E (CDG1E). Also called: CDG Ie; CONGENITAL DISORDER OF GLYCOSYLATION, TYPE Ie. Identifiers: Orphanet 79322, MedGen C1837396, MONDO:0012123, OMIM 608799.

Submissions (8):

Labcorp Genetics (formerly Invitae), Labcorp
Classification: Benign for Congenital disorder of glycosylation type 1E. Last evaluated: 2026-02-03. Review status: criteria provided, single submitter. Criteria: Invitae Variant Classification Sherloc (09022015). Collection method: clinical testing. Allele origin: germline.

Mayo Clinic Laboratories, Mayo Clinic
Classification: Likely benign. Last evaluated: 2025-08-27. Review status: criteria provided, single submitter. Criteria: ACMG Guidelines, 2015. Collection method: clinical testing. Allele origin: germline. Observed: 400 variant alleles.
Comment: BP4, BP7

Laboratory of Genetics, Children's Clinical University Hospital Latvia
Classification: Benign. Last evaluated: 2025-02-16. Review status: criteria provided, single submitter. Criteria: ACMG Guidelines, 2015. Collection method: clinical testing. Allele origin: germline. Affected: yes.

Blueprint Genetics
Classification: Benign. Last evaluated: 2024-11-28. Review status: criteria provided, single submitter. Criteria: ACMG Guidelines, 2015. Collection method: clinical testing. Allele origin: germline.

GeneDx
Classification: Benign. Last evaluated: 2017-11-02. Review status: criteria provided, single submitter. Criteria: GeneDx Variant Classification (06012015). Collection method: clinical testing. Allele origin: germline. Affected: yes.
Comment: This variant is considered likely benign or benign based on one or more of the following criteria: it is a conservative change, it occurs at a poorly conserved position in the protein, it is predicted to be benign by multiple in silico algorithms, and/or has population frequency not consistent with disease.

Clinical Genetics DNA and cytogenetics Diagnostics Lab, Erasmus MC, Erasmus Medical Center
Classification: Benign. Review status: no assertion criteria provided. Collection method: clinical testing. Allele origin: germline. Affected: yes. Study: VKGL Data-share Consensus. Not counted in ClinVar's aggregate classification.

Genome Diagnostics Laboratory, University Medical Center Utrecht
Classification: Benign. Review status: no assertion criteria provided. Collection method: clinical testing. Allele origin: germline. Affected: yes. Study: VKGL Data-share Consensus. Not counted in ClinVar's aggregate classification.

Laboratory of Diagnostic Genome Analysis, Leiden University Medical Center (LUMC)
Classification: Likely benign. Review status: no assertion criteria provided. Collection method: clinical testing. Allele origin: germline. Affected: yes. Study: VKGL Data-share Consensus. Not counted in ClinVar's aggregate classification.